The following is an entry in ClinVar:

ClinVar aggregate classification (germline): Uncertain significance. Review status: criteria provided, multiple submitters, no conflicts (2 of 4 stars). 2 submissions from 2 submitters: Uncertain significance (2). Last evaluated 2025-05-12.

Conditions:
Tyrosinase-positive oculocutaneous albinism (OCA2). Also called: ALBINISM II; Albinism, oculocutaneous, type II; Oculocutaneous albinism type 2. Identifiers: Orphanet 79432, MedGen C0268495, MONDO:0008746, OMIM 203200.
Melanoma, cutaneous malignant, susceptibility to, 5. Also called: Cutaneous malignant melanoma 5. Identifiers: Orphanet 618, MedGen C2751295, MONDO:0013133, OMIM 613099.
SKIN/HAIR/EYE PIGMENTATION, VARIATION IN, 2 (SHEP2). Also called: BLOND HAIR/FAIR SKIN; HAIR COLOR 2; RED HAIR COLOR. Identifiers: MedGen C1849452, OMIM 266300.
Increased analgesia from kappa-opioid receptor agonist, female-specific. Identifiers: MedGen C2751296, OMIM 613098.

Allele frequency attached by ClinVar (database versions not stated): ExAC 0.00007; TOPMed 0.00008; gnomAD 0.00011; gnomAD exomes 0.00011; 1000 Genomes Project 30x 0.00078; 1000 Genomes Project 0.00080.
gnomAD v4.1: 71 of 1,606,692 alleles (0.0044%); highest among the groups gnomAD compares: South Asian, 0.03%; 2 homozygotes.

Submissions (2):

Labcorp Genetics (formerly Invitae), Labcorp
Classification: Uncertain significance for Melanoma, cutaneous malignant, susceptibility to, 5. Last evaluated: 2025-05-12. Review status: criteria provided, single submitter. Criteria: Invitae Variant Classification Sherloc (09022015). Collection method: clinical testing. Allele origin: germline.
Comment: This sequence change replaces valine, which is neutral and non-polar, with methionine, which is neutral and non-polar, at codon 193 of the MC1R protein (p.Val193Met). This variant is present in population databases (rs527673999, gnomAD 0.06%). This variant has not been reported in the literature in individuals affected with MC1R-related conditions. ClinVar contains an entry for this variant (Variation ID: 969262). Invitae Evidence Modeling of protein sequence and biophysical properties (such as structural, functional, and spatial information, amino acid conservation, physicochemical variation, residue mobility, and thermodynamic stability) indicates that this missense variant is not expected to disrupt MC1R protein function with a negative predictive value of 80%. In summary, the available evidence is currently insufficient to determine the role of this variant in disease. Therefore, it has been classified as a Variant of Uncertain Significance.

Fulgent Genetics
Classification: Uncertain significance for Tyrosinase-positive oculocutaneous albinism; SKIN/HAIR/EYE PIGMENTATION, VARIATION IN, 2; Increased analgesia from kappa-opioid receptor agonist, female-specific; Melanoma, cutaneous malignant, susceptibility to, 5. Last evaluated: 2022-04-16. Review status: criteria provided, single submitter. Criteria: ACMG Guidelines, 2015. Collection method: clinical testing. Allele origin: unknown.

NM_002386.4(MC1R):c.577G>A (p.Val193Met)

Gene: MC1R (melanocortin 1 receptor; plus strand). Cytogenetic location: 16q24.3.
Variant type: single nucleotide variant.
Coding change: c.577G>A on transcript NM_002386.4 (MANE Select); coding-DNA position 577, G replaced by A.
Protein change: p.Val193Met; replaces valine 193 with methionine.
Molecular consequence: missense variant.
Genome position (GRCh38, 1-based): chr16:89,919,835, G>A. VCF-style: chr16-89919835-G-A. GRCh37 (hg19) VCF-style: chr16-89986243-G-A.
Other names: short protein forms V193M.
Identifiers: ClinVar variation 969262 (VCV000969262.10), dbSNP rs527673999, ClinGen allele CA8255668.